The following is an entry in ClinVar:

ClinVar aggregate classification (germline): Conflicting classifications of pathogenicity. Review status: criteria provided, conflicting classifications (1 of 4 stars). 3 submissions from 3 submitters: Uncertain significance (2); Likely benign (1). Last evaluated 2025-02-10.

Conditions:
Collagen 6-related myopathy. Identifiers: MedGen CN117976, MONDO:0100225.
Bethlem myopathy 1A. Also called: Bethlem Muscular Dystrophy; Bethlem myopathy 1; MYOPATHY, BENIGN CONGENITAL, WITH CONTRACTURES. Identifiers: Orphanet 610, MedGen CN029274, MONDO:0024530, OMIM 158810.

Allele frequency attached by ClinVar (database versions not stated): gnomAD 0.00002 and 0.00003; gnomAD exomes 0.00004; TOPMed 0.00004; ExAC 0.00007; ESP Exome Variant Server 0.00008.
gnomAD v4.1: 50 of 1,614,142 alleles (0.0031%); highest among the groups gnomAD compares: Middle Eastern, 0.016%; no homozygotes.

Submissions (3):

Labcorp Genetics (formerly Invitae), Labcorp
Classification: Uncertain significance for Bethlem myopathy 1A. Last evaluated: 2025-02-10. Review status: criteria provided, single submitter. Criteria: Invitae Variant Classification Sherloc (09022015). Collection method: clinical testing. Allele origin: germline.
Comment: This sequence change replaces aspartic acid, which is acidic and polar, with tyrosine, which is neutral and polar, at codon 2118 of the COL6A3 protein (p.Asp2118Tyr). This variant is present in population databases (rs374476448, gnomAD 0.007%). This variant has not been reported in the literature in individuals affected with COL6A3-related conditions. ClinVar contains an entry for this variant (Variation ID: 894823). An algorithm developed to predict the effect of missense changes on protein structure and function (PolyPhen-2) suggests that this variant is likely to be disruptive. In summary, the available evidence is currently insufficient to determine the role of this variant in disease. Therefore, it has been classified as a Variant of Uncertain Significance.

Blueprint Genetics
Classification: Uncertain significance. Last evaluated: 2024-09-09. Review status: criteria provided, single submitter. Criteria: ACMG Guidelines, 2015. Collection method: clinical testing. Allele origin: germline.

Illumina Laboratory Services, Illumina
Classification: Likely benign for Collagen VI-related myopathy. Last evaluated: 2018-01-13. Review status: criteria provided, single submitter. Criteria: ICSL Variant Classification Criteria 13 December 2019. Collection method: clinical testing. Allele origin: germline.
Comment: This variant was observed in the ICSL laboratory as part of a predisposition screen in an ostensibly healthy population. It had not been previously curated by ICSL or reported in the Human Gene Mutation Database (HGMD: prior to June 1st, 2018), and was therefore a candidate for classification through an automated scoring system. Utilizing variant allele frequency, disease prevalence and penetrance estimates, and inheritance mode, an automated score was calculated to assess if this variant is too frequent to cause the disease. Based on the score and internal cut-off values, a variant classified as likely benign is not then subjected to further curation. The score for this variant resulted in a classification of likely benign for this disease.

NM_004369.4(COL6A3):c.6352G>T (p.Asp2118Tyr)

Gene: COL6A3 (collagen type VI alpha 3 chain; minus strand). Cytogenetic location: 2q37.3.
Variant type: single nucleotide variant.
Coding change: c.6352G>T on transcript NM_004369.4 (MANE Select); coding-DNA position 6352, G replaced by T.
Protein change: p.Asp2118Tyr; replaces aspartic acid 2118 with tyrosine.
Molecular consequence: missense variant.
Genome position (GRCh38, 1-based): chr2:237,359,208, C>A on the plus strand (G>T on the coding strand, the complement: COL6A3 is on the minus strand). VCF-style: chr2-237359208-C-A. GRCh37 (hg19) VCF-style: chr2-238267851-C-A.
Other names: c.4531G>T, p.Asp1511Tyr (NM_057166.5); c.5734G>T, p.Asp1912Tyr (NM_057167.4); short protein forms D2118Y, D1511Y, D1912Y.
Identifiers: ClinVar variation 894823 (VCV000894823.12), dbSNP rs374476448, ClinGen allele CA2188334.